The following is an entry in ClinVar:

ClinVar aggregate classification (germline): Uncertain significance (1 of 4 stars; one submission).

Conditions:
Pyruvate kinase deficiency of red cells (CNSHA2). Also called: PK DEFICIENCY; PYRUVATE KINASE DEFICIENCY OF ERYTHROCYTE; Pyruvate kinase deficiency, Amish type. Identifiers: Orphanet 766, MedGen C0340968, MONDO:0009950, OMIM 266200.

Allele frequency attached by ClinVar (database versions not stated): gnomAD exomes below 0.00001.
gnomAD v4.1: 1 of 1,614,020 alleles (0.000062%); highest among the groups gnomAD compares: South Asian, 0.0011%; no homozygotes.

Submission:

3billion
Classification: Uncertain significance for Pyruvate kinase deficiency of red cells. Last evaluated: 2022-09-01. Review status: criteria provided, single submitter. Criteria: ACMG Guidelines, 2015. Collection method: clinical testing. Allele origin: germline. Affected: yes. Observed: 1 homozygote.
Comment: The variant is not observed in the gnomAD v2.1.1 dataset. Missense changes are a common disease-causing mechanism. In silico tool predictions suggest damaging effect of the variant on gene or gene product (REVEL: 0.88; 3Cnet: 0.03). Therefore, this variant is classified as uncertain significance according to the recommendation of ACMG/AMP guideline.

NM_000298.6(PKLR):c.227T>C (p.Leu76Pro)

Gene: PKLR (pyruvate kinase L/R; minus strand). Cytogenetic location: 1q22.
Variant type: single nucleotide variant.
Coding change: c.227T>C on transcript NM_000298.6 (MANE Select); coding-DNA position 227, T replaced by C.
Protein change: p.Leu76Pro; replaces leucine 76 with proline.
Molecular consequence: missense variant.
Genome position (GRCh38, 1-based): chr1:155,300,154, A>G on the plus strand (T>C on the coding strand, the complement: PKLR is on the minus strand). VCF-style: chr1-155300154-A-G. GRCh37 (hg19) VCF-style: chr1-155269945-A-G.
Other names: c.134T>C, p.Leu45Pro (NM_181871.4); short protein forms L45P, L76P.
Identifiers: ClinVar variation 1705406 (VCV001705406.1), dbSNP rs1331269086, ClinGen allele CA342758328.